The following is an entry in ClinVar:

NM_152703.5(SAMD9L):c.1356C>A (p.Ile452=)

Gene: SAMD9L (sterile alpha motif domain containing 9 like; minus strand). Cytogenetic location: 7q21.2.
Variant type: single nucleotide variant.
Coding change: c.1356C>A on transcript NM_152703.5 (MANE Select); coding-DNA position 1356, C replaced by A.
Protein change: p.Ile452=; no amino-acid change (isoleucine 452 retained).
Molecular consequence: synonymous variant.
Genome position (GRCh38, 1-based): chr7:93,134,616, G>T on the plus strand (C>A on the coding strand, the complement: SAMD9L is on the minus strand). VCF-style: chr7-93134616-G-T. GRCh37 (hg19) VCF-style: chr7-92763929-G-T.
Other names: c.1356C>A (NM_152703.2, NM_152703.3); c.1356C>A, p.Ile452= (NM_001303496.3, NM_001303497.3, NM_001303498.3 and 5 more transcripts).
Identifiers: ClinVar variation 1336635 (VCV001336635.12), dbSNP rs150450981, ClinGen allele CA4343739.

ClinVar aggregate classification (germline): Benign/Likely benign. Review status: criteria provided, multiple submitters, no conflicts (2 of 4 stars). 5 submissions from 5 submitters: Benign (1); Likely benign (3). 1 of the submissions does not count toward it. Last evaluated 2025-11-03.

Conditions:
Inborn genetic diseases. Identifiers: MedGen C0950123, MeSH D030342.
SAMD9L-related disorder. Also called: SAMD9L-related disorders; SAMD9L-related condition.

Allele frequency attached by ClinVar (database versions not stated): gnomAD 0.00009 and 0.00013; gnomAD exomes 0.00013 and 0.00029; TOPMed 0.00013; ExAC 0.00025; 1000 Genomes Project 0.00080; 1000 Genomes Project 30x 0.00094.
gnomAD v4.1: 196 of 1,613,930 alleles (0.012%); highest among the groups gnomAD compares: East Asian, 0.42%; 2 homozygotes.

Submissions (5):

Labcorp Genetics (formerly Invitae), Labcorp
Classification: Benign. Last evaluated: 2025-11-03. Review status: criteria provided, single submitter. Criteria: Invitae Variant Classification Sherloc (09022015). Collection method: clinical testing. Allele origin: germline.

Ambry Genetics
Classification: Likely benign for Inborn genetic diseases. Last evaluated: 2024-11-20. Review status: criteria provided, single submitter. Criteria: Ambry Variant Classification Scheme 2023. Collection method: clinical testing. Allele origin: germline.

Blueprint Genetics
Classification: Likely benign. Last evaluated: 2023-01-12. Review status: criteria provided, single submitter. Criteria: ACMG Guidelines, 2015. Collection method: clinical testing. Allele origin: germline.

Genetic Services Laboratory, University of Chicago
Classification: Likely benign. Last evaluated: 2019-04-20. Review status: criteria provided, single submitter. Criteria: ACMG Guidelines, 2015. Collection method: clinical testing. Allele origin: germline. Affected: no.

PreventionGenetics, part of Exact Sciences
Classification: Likely benign for SAMD9L-related condition. Last evaluated: 2022-07-05. Review status: no assertion criteria provided. Collection method: clinical testing. Allele origin: germline. Not counted in ClinVar's aggregate classification.
Comment: This variant is classified as likely benign based on ACMG/AMP sequence variant interpretation guidelines (Richards et al. 2015 PMID: 25741868, with internal and published modifications).